The following is an entry in ClinVar:

NM_000091.5(COL4A3):c.1577G>A (p.Gly526Asp)

Genes: COL4A3 (collagen type IV alpha 3 chain; plus strand), MFF-DT (MFF divergent transcript; minus strand). Cytogenetic location: 2q36.3.
Variant type: single nucleotide variant.
Coding change: c.1577G>A on transcript NM_000091.5 (MANE Select); coding-DNA position 1577, G replaced by A.
Protein change: p.Gly526Asp; replaces glycine 526 with aspartic acid.
Molecular consequence: missense variant.
Genome position (GRCh38, 1-based): chr2:227,270,771, G>A. VCF-style: chr2-227270771-G-A. GRCh37 (hg19) VCF-style: chr2-228135487-G-A.
Other names: short protein forms G526D.
Identifiers: ClinVar variation 4768406 (VCV004768406.1).

ClinVar aggregate classification (germline): Uncertain significance (1 of 4 stars; one submission).

Submission:

Labcorp Genetics (formerly Invitae), Labcorp
Classification: Uncertain significance. Last evaluated: 2025-10-06. Review status: criteria provided, single submitter. Criteria: Invitae Variant Classification Sherloc (09022015). Collection method: clinical testing. Allele origin: germline.
Comment: This sequence change replaces glycine, which is neutral and non-polar, with aspartic acid, which is acidic and polar, at codon 526 of the COL4A3 protein (p.Gly526Asp). This variant is not present in population databases (gnomAD no frequency). This missense change has been observed in individual(s) with Alport syndrome (PMID: 39278986). An algorithm developed to predict the effect of missense changes on protein structure and function (PolyPhen-2) suggests that this variant is likely to be disruptive. This variant disrupts the p.Gly526 amino acid residue in COL4A3. Other variant(s) that disrupt this residue have been observed in individuals with COL4A3-related conditions (PMID: 35369551, 37798099), which suggests that this may be a clinically significant amino acid residue. In summary, the available evidence is currently insufficient to determine the role of this variant in disease. Therefore, it has been classified as a Variant of Uncertain Significance.

Literature cited by the submitters: PubMed 39278986; PubMed 35369551; PubMed 37798099.